The following is an entry in ClinVar:

ClinVar aggregate classification (germline): Uncertain significance (1 of 4 stars; one submission).

Conditions:
Developmental and epileptic encephalopathy, 9 (DEE9). Also called: EPILEPSY, FEMALE-RESTRICTED, WITH MENTAL RETARDATION; Early infantile epileptic encephalopathy 9; JUBERG-HELLMAN SYNDROME; PCDH19-Related X-Linked Female-Limited Epilepsy with Mental Retardation. Identifiers: Orphanet 101039, Orphanet 2076, MedGen C1848137, MONDO:0010246, OMIM 300088. Disease mechanism: loss of function.

gnomAD v4.1: 6 of 1,211,815 alleles (0.0005%); highest among the groups gnomAD compares: Admixed American, 0.0022%; no homozygotes.

Submission:

Labcorp Genetics (formerly Invitae), Labcorp
Classification: Uncertain significance for Developmental and epileptic encephalopathy, 9. Last evaluated: 2025-05-02. Review status: criteria provided, single submitter. Criteria: Invitae Variant Classification Sherloc (09022015). Collection method: clinical testing. Allele origin: germline.
Comment: This sequence change replaces threonine, which is neutral and polar, with methionine, which is neutral and non-polar, at codon 820 of the PCDH19 protein (p.Thr820Met). This variant is present in population databases (rs754091107, gnomAD 0.02%). This variant has not been reported in the literature in individuals affected with PCDH19-related conditions. Invitae Evidence Modeling of protein sequence and biophysical properties (such as structural, functional, and spatial information, amino acid conservation, physicochemical variation, residue mobility, and thermodynamic stability) indicates that this missense variant is not expected to disrupt PCDH19 protein function with a negative predictive value of 95%. In summary, the available evidence is currently insufficient to determine the role of this variant in disease. Therefore, it has been classified as a Variant of Uncertain Significance.

NM_001184880.2(PCDH19):c.2459C>T (p.Thr820Met)

Genes: PCDH19 (protocadherin 19; minus strand), LOC125467768 (CDK7 strongly-dependent group 2 enhancer GRCh37_chrX:99657381-99658580; plus strand). Cytogenetic location: Xq22.1.
Variant type: single nucleotide variant.
Coding change: c.2459C>T on transcript NM_001184880.2 (MANE Select); coding-DNA position 2459, C replaced by T.
Protein change: p.Thr820Met; replaces threonine 820 with methionine.
Molecular consequence: missense variant.
Genome position (GRCh38, 1-based): chrX:100,402,681, G>A on the plus strand (C>T on the coding strand, the complement: PCDH19 is on the minus strand). VCF-style: chrX-100402681-G-A. GRCh37 (hg19) VCF-style: chrX-99657679-G-A.
Other names: c.2318C>T, p.Thr773Met (NM_001105243.2, NM_020766.3); short protein forms T820M, T773M.
Identifiers: ClinVar variation 4749821 (VCV004749821.1).
Genomic context (GRCh38, chrX:100,402,681, plus strand): 5'-GTATTCTGGTTCTCCACATTCAGGAAAGTGCTCTCAGAGCGGCGGCAGCCCAGGGGCAGC[G>A]TCTGCTGGTGGTAGTCAAAATAGTTGAGGGAGGAGGTCAGGGAAGAGCAACTGACAACGT-3'
Protein context (NP_001171809.1, residues 810-830): SLNYFDYHQQ[Thr820Met]LPLGCRRSES